The following is an entry in ClinVar:

ClinVar aggregate classification (germline): Conflicting classifications of pathogenicity. Review status: criteria provided, conflicting classifications (1 of 4 stars). 2 submissions from 2 submitters: Uncertain significance (1); Benign (1). Last evaluated 2026-01-14.

Allele frequency attached by ClinVar (database versions not stated): ESP Exome Variant Server 0.00008; gnomAD exomes 0.00008 and 0.00018; ExAC 0.00012; gnomAD 0.00013 and 0.00014; TOPMed 0.00016.

Submissions (2):

Labcorp Genetics (formerly Invitae), Labcorp
Classification: Benign. Last evaluated: 2026-01-14. Review status: criteria provided, single submitter. Criteria: Invitae Variant Classification Sherloc (09022015). Collection method: clinical testing. Allele origin: germline.

GeneDx
Classification: Uncertain significance. Last evaluated: 2024-06-04. Review status: criteria provided, single submitter. Criteria: GeneDx Variant Classification Process June 2021. Collection method: clinical testing. Allele origin: germline. Affected: yes.
Comment: Has not been previously published as pathogenic or benign to our knowledge; Not observed at significant frequency in large population cohorts (gnomAD); In silico analysis indicates that this missense variant does not alter protein structure/function; In silico analysis suggests this variant may impact gene splicing. In the absence of RNA/functional studies, the actual effect of this sequence change is unknown.

NM_001042545.2(LTBP4):c.3050G>A (p.Arg1017Gln)

Gene: LTBP4 (latent transforming growth factor beta binding protein 4; plus strand). Cytogenetic location: 19q13.2.
Variant type: single nucleotide variant.
Coding change: c.3050G>A on transcript NM_001042545.2 (MANE Select); coding-DNA position 3050, G replaced by A.
Protein change: p.Arg1017Gln; replaces arginine 1017 with glutamine.
Molecular consequence: missense variant.
Genome position (GRCh38, 1-based): chr19:40,617,205, G>A. VCF-style: chr19-40617205-G-A. GRCh37 (hg19) VCF-style: chr19-41123110-G-A.
Other names: c.3251G>A, p.Arg1084Gln (NM_001042544.1); c.3140G>A, p.Arg1047Gln (NM_003573.2); short protein forms R1017Q, R1047Q, R1084Q.
Identifiers: ClinVar variation 1199144 (VCV001199144.8), dbSNP rs376010452, ClinGen allele CA9448884.